The following is an entry in ClinVar:

ClinVar aggregate classification (germline): Uncertain significance (1 of 4 stars; one submission).

Submission:

GeneDx
Classification: Uncertain significance. Last evaluated: 2024-12-07. Review status: criteria provided, single submitter. Criteria: GeneDx Variant Classification Process June 2021. Collection method: clinical testing. Allele origin: germline. Affected: yes.
Comment: Not observed at significant frequency in large population cohorts (gnomAD); In silico analysis supports that this missense variant has a deleterious effect on protein structure/function; Has not been previously published as pathogenic or benign to our knowledge.

NM_015076.5(CDK19):c.176T>C (p.Ile59Thr)

Gene: CDK19 (cyclin dependent kinase 19; minus strand). Cytogenetic location: 6q21.
Variant type: single nucleotide variant.
Coding change: c.176T>C on transcript NM_015076.5 (MANE Select); coding-DNA position 176, T replaced by C.
Protein change: p.Ile59Thr; replaces isoleucine 59 with threonine.
Molecular consequence: missense variant. On other transcripts: 5 prime UTR variant (2).
Genome position (GRCh38, 1-based): chr6:110,746,154, A>G on the plus strand (T>C on the coding strand, the complement: CDK19 is on the minus strand). VCF-style: chr6-110746154-A-G. GRCh37 (hg19) VCF-style: chr6-111067357-A-G.
Other names: c.176T>C, p.Ile59Thr (NM_001300960.2); c.-5T>C (NM_001300963.2, NM_001300964.2); short protein forms I59T.
Identifiers: ClinVar variation 3901399 (VCV003901399.1).